The following is an entry in ClinVar:

NM_000293.3(PHKB):c.1459-9G>T

Gene: PHKB (phosphorylase kinase regulatory subunit beta; plus strand). Cytogenetic location: 16q12.1.
Variant type: single nucleotide variant.
Coding change: c.1459-9G>T on transcript NM_000293.3 (MANE Select); 9 bases into the intron before coding-DNA position 1459, G replaced by T.
Molecular consequence: intron variant.
Genome position (GRCh38, 1-based): chr16:47,641,026, G>T. VCF-style: chr16-47641026-G-T. GRCh37 (hg19) VCF-style: chr16-47674937-G-T.
Other names: c.1459-9G>T (NM_001363837.1); c.1438-9G>T (NM_001031835.3).
Identifiers: ClinVar variation 194467 (VCV000194467.22), dbSNP rs201995780, ClinGen allele CA240435.

ClinVar aggregate classification (germline): Conflicting classifications of pathogenicity. Review status: criteria provided, conflicting classifications (1 of 4 stars). 7 submissions from 7 submitters: Uncertain significance (2); Benign (1); Likely benign (4). Last evaluated 2026-01-25.

Conditions:
Glycogen storage disease IXb (GSD9B). Also called: PHOSPHORYLASE KINASE DEFICIENCY OF LIVER AND MUSCLE, AUTOSOMAL RECESSIVE; GLYCOGENOSIS OF LIVER AND MUSCLE, AUTOSOMAL RECESSIVE; GSD IXb. Identifiers: Orphanet 79240, MedGen C0543514, MONDO:0009868, OMIM 261750.

Allele frequency attached by ClinVar (database versions not stated): ExAC 0.00050; gnomAD exomes 0.00054; 1000 Genomes Project 0.00060; 1000 Genomes Project 30x 0.00062; ESP Exome Variant Server 0.00100; gnomAD 0.00111 and 0.00117; TOPMed 0.00162.
gnomAD v4.1: 567 of 1,612,608 alleles (0.035%); highest among the groups gnomAD compares: African/African-American, 0.26%; no homozygotes.

Submissions (7):

Labcorp Genetics (formerly Invitae), Labcorp
Classification: Benign for Glycogen storage disease IXb. Last evaluated: 2026-01-25. Review status: criteria provided, single submitter. Criteria: Invitae Variant Classification Sherloc (09022015). Collection method: clinical testing. Allele origin: germline.

Blueprint Genetics
Classification: Likely benign. Last evaluated: 2024-11-12. Review status: criteria provided, single submitter. Criteria: ACMG Guidelines, 2015. Collection method: clinical testing. Allele origin: germline.

ARUP Laboratories, Molecular Genetics and Genomics, ARUP Laboratories
Classification: Likely benign for Glycogen storage disease IXb. Last evaluated: 2022-07-08. Review status: criteria provided, single submitter. Criteria: ARUP Molecular Germline Variant Investigation Process 2021. Collection method: clinical testing. Allele origin: germline.

GeneDx
Classification: Likely benign. Last evaluated: 2018-02-06. Review status: criteria provided, single submitter. Criteria: GeneDx Variant Classification (06012015). Collection method: clinical testing. Allele origin: germline. Affected: yes.
Comment: This variant is considered likely benign or benign based on one or more of the following criteria: it is a conservative change, it occurs at a poorly conserved position in the protein, it is predicted to be benign by multiple in silico algorithms, and/or has population frequency not consistent with disease.

Illumina Laboratory Services, Illumina
Classification: Uncertain significance for Glycogen storage disease IXb. Last evaluated: 2018-01-13. Review status: criteria provided, single submitter. Criteria: ICSL Variant Classification Criteria 13 December 2019. Collection method: clinical testing. Allele origin: germline.

Eurofins Ntd Llc (ga)
Classification: Uncertain significance. Last evaluated: 2015-01-28. Review status: criteria provided, single submitter. Criteria: EGL Classification Definitions 2015. Collection method: clinical testing. Allele origin: germline. Observed: 1 variant allele, 1 heterozygote.

PreventionGenetics, part of Exact Sciences
Classification: Likely benign. Review status: criteria provided, single submitter. Criteria: ACMG Guidelines, 2015. Collection method: clinical testing. Allele origin: germline.